The following is an entry in ClinVar:

ClinVar aggregate classification (germline): Uncertain significance (1 of 4 stars; one submission).

Allele frequency attached by ClinVar (database versions not stated): TOPMed below 0.00001.

Submission:

Labcorp Genetics (formerly Invitae), Labcorp
Classification: Uncertain significance. Last evaluated: 2022-06-12. Review status: criteria provided, single submitter. Criteria: Invitae Variant Classification Sherloc (09022015). Collection method: clinical testing. Allele origin: germline.
Comment: In summary, the available evidence is currently insufficient to determine the role of this variant in disease. Therefore, it has been classified as a Variant of Uncertain Significance. Algorithms developed to predict the effect of missense changes on protein structure and function are either unavailable or do not agree on the potential impact of this missense change (SIFT: "Deleterious"; PolyPhen-2: "Not Available"; Align-GVGD: "Class C65"). This variant has not been reported in the literature in individuals affected with NEFH-related conditions. This variant is not present in population databases (gnomAD no frequency). This sequence change replaces aspartic acid, which is acidic and polar, with tyrosine, which is neutral and polar, at codon 387 of the NEFH protein (p.Asp387Tyr).

NM_021076.4(NEFH):c.1159G>T (p.Asp387Tyr)

Gene: NEFH (neurofilament heavy chain; plus strand). Cytogenetic location: 22q12.2.
Variant type: single nucleotide variant.
Coding change: c.1159G>T on transcript NM_021076.4 (MANE Select); coding-DNA position 1159, G replaced by T.
Protein change: p.Asp387Tyr; replaces aspartic acid 387 with tyrosine.
Molecular consequence: missense variant.
Genome position (GRCh38, 1-based): chr22:29,485,798, G>T. VCF-style: chr22-29485798-G-T. GRCh37 (hg19) VCF-style: chr22-29881787-G-T.
Other names: short protein forms D387Y.
Identifiers: ClinVar variation 1960156 (VCV001960156.5), dbSNP rs2063040920, ClinGen allele CA411127133.